The following is an entry in ClinVar:

ClinVar aggregate classification (germline): Pathogenic (1 of 4 stars; one submission).

Conditions:
Neurofibromatosis, type 1 (NF1). Also called: NEUROFIBROMATOSIS, TYPE I, SOMATIC; VON RECKLINGHAUSEN DISEASE; Peripheral type neurofibromatosis; Neurofibromatosis, type I. Identifiers: Orphanet 636, MedGen C0027831, MONDO:0018975, OMIM 162200. Disease mechanism: loss of function.

Submission:

Labcorp Genetics (formerly Invitae), Labcorp
Classification: Pathogenic for Neurofibromatosis, type 1. Last evaluated: 2021-09-06. Review status: criteria provided, single submitter. Criteria: Invitae Variant Classification Sherloc (09022015). Collection method: clinical testing. Allele origin: germline.
Comment: This sequence change creates a premature translational stop signal (p.Asp2585Lysfs*16) in the NF1 gene. It is expected to result in an absent or disrupted protein product. Loss-of-function variants in NF1 are known to be pathogenic (PMID: 10712197, 23913538). This variant is not present in population databases (ExAC no frequency). This variant has not been reported in the literature in individuals affected with NF1-related conditions. For these reasons, this variant has been classified as Pathogenic.

Literature cited by the submitters: PubMed 10712197; PubMed 23913538.

NM_001042492.3(NF1):c.7816_7822del (p.Asp2606fs)

Gene: NF1 (neurofibromin 1; plus strand). Cytogenetic location: 17q11.2.
Variant type: Deletion.
Coding change: c.7816_7822del on transcript NM_001042492.3 (MANE Select); coding-DNA positions 7816 to 7822, 7 bases deleted (GATGAAG; older notation c.7816_7822delGATGAAG).
Protein change: p.Asp2606fs; shifts the reading frame from aspartic acid 2606.
Molecular consequence: frameshift variant.
Genome position (GRCh38, 1-based): chr17:31,357,037-31,357,043, GATGAAG deleted; deleting any 7 consecutive bases within chr17:31,357,036-31,357,043 gives the same sequence; the c. name uses the placement nearest the transcript's 3' end. VCF-style (leftmost placement, unchanged base first): chr17-31357035-TGGATGAA-T. GRCh37 (hg19) VCF-style: chr17-29684053-TGGATGAA-T.
Other names: c.7753_7759delGATGAAG, p.Asp2585Lysfs (NM_000267.4); short protein forms D2585fs, D2606fs.
Identifiers: ClinVar variation 1451149 (VCV001451149.6), dbSNP rs2151582400, ClinGen allele CA2573153445.
Genomic context (GRCh38, chr17:31,357,035, plus strand): 5'-CCTCATCACAACAGCACCCACATTTACGTAAAGTTTCAGTGTCTGAATCAAATGTTCTCT[TGGATGAA>T]GAAGTACTTACTGATCCGAAGATCCAGGCGCTGCTTCTTACTGTTCTAGTAAGGATTTCC-3'